The following is an entry in ClinVar:

ClinVar aggregate classification (germline): Uncertain significance (1 of 4 stars; one submission).

Conditions:
Hypogonadotropic hypogonadism 2 with or without anosmia (HH2). Also called: HYPOGONADOTROPIC HYPOGONADISM 2 WITHOUT ANOSMIA; HYPOGONADOTROPIC HYPOGONADISM 2 WITH OR WITHOUT ANOSMIA, SUSCEPTIBILITY TO; HYPOGONADOTROPIC HYPOGONADISM 2 WITHOUT ANOSMIA, SUSCEPTIBILITY TO; FGFR1-Related GnRH Deficiency (Kallmann Syndrome 2). Identifiers: Orphanet 478, MedGen C1563720, MONDO:0007844, OMIM 147950. Disease mechanism: loss of function.
Pfeiffer syndrome (ACS5). Also called: ACS V. Identifiers: Orphanet 710, MedGen C0220658, MONDO:0007043, OMIM 101600.

Allele frequency attached by ClinVar (database versions not stated): gnomAD exomes 0.00004; ESP Exome Variant Server 0.00008; ExAC 0.00003; gnomAD 0.00003; TOPMed 0.00003.

Submission:

Labcorp Genetics (formerly Invitae), Labcorp
Classification: Uncertain significance for Pfeiffer syndrome; Hypogonadotropic hypogonadism 2 with or without anosmia. Last evaluated: 2025-08-01. Review status: criteria provided, single submitter. Criteria: Invitae Variant Classification Sherloc (09022015). Collection method: clinical testing. Allele origin: germline.
Comment: This sequence change replaces glycine, which is neutral and non-polar, with glutamic acid, which is acidic and polar, at codon 440 of the FGFR1 protein (p.Gly440Glu). This variant is present in population databases (rs372654433, gnomAD 0.009%). This variant has not been reported in the literature in individuals affected with FGFR1-related conditions. ClinVar contains an entry for this variant (Variation ID: 956157). Invitae Evidence Modeling of protein sequence and biophysical properties (such as structural, functional, and spatial information, amino acid conservation, physicochemical variation, residue mobility, and thermodynamic stability) indicates that this missense variant is not expected to disrupt FGFR1 protein function with a negative predictive value of 80%. In summary, the available evidence is currently insufficient to determine the role of this variant in disease. Therefore, it has been classified as a Variant of Uncertain Significance.

NM_023110.3(FGFR1):c.1319G>A (p.Gly440Glu)

Gene: FGFR1 (fibroblast growth factor receptor 1; minus strand). Cytogenetic location: 8p11.23.
Variant type: single nucleotide variant.
Coding change: c.1319G>A on transcript NM_023110.3 (MANE Select); coding-DNA position 1319, G replaced by A.
Protein change: p.Gly440Glu; replaces glycine 440 with glutamic acid.
Molecular consequence: missense variant.
Genome position (GRCh38, 1-based): chr8:38,418,339, C>T on the plus strand (G>A on the coding strand, the complement: FGFR1 is on the minus strand). VCF-style: chr8-38418339-C-T. GRCh37 (hg19) VCF-style: chr8-38275857-C-T.
Other names: c.1313G>A, p.Gly438Glu (NM_001174063.2, NM_001174065.2, NM_001354367.2 and 1 more transcripts); c.1289G>A, p.Gly430Glu (NM_001174064.2); c.1052G>A, p.Gly351Glu (NM_001174066.2, NM_023105.3); c.1412G>A, p.Gly471Glu (NM_001174067.2); c.1040G>A, p.Gly347Glu (NM_001354368.2); c.1307G>A, p.Gly436Glu (NM_001354369.2); c.1046G>A, p.Gly349Glu (NM_001354370.2, NM_023106.3); short protein forms G349E, G347E, G436E, G438E, G440E, G471E, G351E, G430E.
Identifiers: ClinVar variation 956157 (VCV000956157.6), dbSNP rs372654433, ClinGen allele CA4718419.